The following is an entry in ClinVar:

NM_005422.4(TECTA):c.6368-5T>A

Genes: TBCEL-TECTA (TBCEL-TECTA readthrough; plus strand), TECTA (tectorin alpha; plus strand). Cytogenetic location: 11q23.3.
Variant type: single nucleotide variant.
Coding change: c.6368-5T>A on transcript NM_005422.4 (MANE Select); 5 bases into the intron before coding-DNA position 6368, T replaced by A.
Molecular consequence: intron variant.
Genome position (GRCh38, 1-based): chr11:121,190,701, T>A. VCF-style: chr11-121190701-T-A. GRCh37 (hg19) VCF-style: chr11-121061410-T-A.
Other names: c.7310-5T>A (NM_001378761.1).
Identifiers: ClinVar variation 1526389 (VCV001526389.2), dbSNP rs1469157532, ClinGen allele CA602222273.

ClinVar aggregate classification (germline): Uncertain significance (1 of 4 stars; one submission).

Allele frequency attached by ClinVar (database versions not stated): gnomAD exomes below 0.00001.
gnomAD v4.1: 3 of 1,611,320 alleles (0.00019%); highest among the groups gnomAD compares: Non-Finnish European, 0.00025%; no homozygotes.

Submission:

GeneDx
Classification: Uncertain significance. Last evaluated: 2022-03-22. Review status: criteria provided, single submitter. Criteria: GeneDx Variant Classification Process June 2021. Collection method: clinical testing. Allele origin: germline. Affected: yes.
Comment: Not observed at a significant frequency in large population cohorts (gnomAD); Has not been previously published as pathogenic or benign to our knowledge; In-silico analysis is inconclusive as to whether the variant alters gene splicing. In the absence of RNA/functional studies, the actual effect of this sequence change is unknown.